The following is an entry in ClinVar:

ClinVar aggregate classification (germline): Conflicting classifications of pathogenicity. Review status: criteria provided, conflicting classifications (1 of 4 stars). 8 submissions from 8 submitters: Pathogenic (2); Likely pathogenic (3); Uncertain significance (3). Last evaluated 2024-04-08.

Conditions:
Ullrich congenital muscular dystrophy 1A. Also called: Ullrich congenital muscular dystrophy 1; Intermediate COL6-RD. Identifiers: Orphanet 75840, MedGen C0410179, MONDO:0009681, OMIM 254090.
Bethlem myopathy 1A. Also called: Bethlem myopathy 1; Bethlem Muscular Dystrophy; MYOPATHY, BENIGN CONGENITAL, WITH CONTRACTURES. Identifiers: Orphanet 610, MedGen CN029274, MONDO:0024530, OMIM 158810.

Allele frequency attached by ClinVar (database versions not stated): ExAC 0.00001.

Submissions (8):

Labcorp Genetics (formerly Invitae), Labcorp
Classification: Pathogenic for Bethlem myopathy 1A. Last evaluated: 2024-04-08. Review status: criteria provided, single submitter. Criteria: Invitae Variant Classification Sherloc (09022015). Collection method: clinical testing. Allele origin: germline.
Comment: This sequence change replaces glutamic acid, which is acidic and polar, with lysine, which is basic and polar, at codon 2067 of the COL6A3 protein (p.Glu2067Lys). This variant is not present in population databases (gnomAD no frequency). This missense change has been observed in individual(s) with clinical features of autosomal dominant Bethlem myopathy or limb-girdle muscular dystrophy (PMID: 24271325, 26436962, 30564623; Invitae). In at least one individual the variant was observed to be de novo. ClinVar contains an entry for this variant (Variation ID: 284554). Advanced modeling of protein sequence and biophysical properties (such as structural, functional, and spatial information, amino acid conservation, physicochemical variation, residue mobility, and thermodynamic stability) performed at Invitae indicates that this missense variant is expected to disrupt COL6A3 protein function with a positive predictive value of 80%. For these reasons, this variant has been classified as Pathogenic.

Equipe Genetique des Anomalies du Developpement, Université de Bourgogne
Classification: Likely pathogenic for Ullrich congenital muscular dystrophy 1A. Last evaluated: 2022-07-11. Review status: criteria provided, single submitter. Criteria: ACMG Guidelines, 2015. Collection method: clinical testing. Allele origin: unknown. Inheritance: Autosomal dominant inheritance. Affected: yes.

Broad Center for Mendelian Genomics, Broad Institute of MIT and Harvard
Classification: Uncertain significance for Ullrich congenital muscular dystrophy 1A. Last evaluated: 2022-05-04. Review status: criteria provided, single submitter. Criteria: ACMG Guidelines, 2015. Collection method: curation. Allele origin: germline. Inheritance: Autosomal dominant inheritance.
Comment: The variant has been reported in 4 individuals of Australian and unknown ethnicity with Ullrich congenital muscular dystrophy 1 (PMID: 30564623, 26436962, 24271325), and was absent from large population studies. This variant has also been reported in ClinVar (Variation ID: 284554) as likely pathogenic by GeneDx, and as having uncertain significance by Invitae, CeGaT Praxis fuer Humangenetik Tuebingen, and EGL Genetic Diagnostics, Eurofins Clinical Diagnostics. Computational prediction tools and conservation analyses suggest that this variant may impact the protein, though this information is not predictive enough to determine pathogenicity. In summary, while there is some suspicion for a pathogenic role, the clinical significance of this variant is uncertain. ACMG/AMP Criteria applied: PM2, PS4_supporting, PP3 (Richards 2015).

Revvity Omics, Revvity
Classification: Likely pathogenic. Last evaluated: 2022-03-22. Review status: criteria provided, single submitter. Criteria: ACMG Guidelines, 2015. Collection method: clinical testing. Allele origin: germline.

Laboratory of Medical Genetics, National & Kapodistrian University of Athens
Classification: Pathogenic for Bethlem myopathy 1A. Last evaluated: 2021-08-10. Review status: criteria provided, single submitter. Criteria: ACMG Guidelines, 2015. Collection method: clinical testing. Allele origin: de novo. Affected: yes.
Comment: PS2, PM1, PM2, PP3, PP5

CeGaT Center for Human Genetics Tuebingen
Classification: Uncertain significance. Last evaluated: 2018-07-01. Review status: criteria provided, single submitter. Criteria: CeGaT Center For Human Genetics Tuebingen Variant Classification Criteria Version 2. Collection method: clinical testing. Allele origin: germline. Affected: yes. Observed: 1 variant allele.

Eurofins Ntd Llc (ga)
Classification: Uncertain significance. Last evaluated: 2018-03-16. Review status: criteria provided, single submitter. Criteria: EGL ClinVar v180209 classification definitions. Collection method: clinical testing. Allele origin: germline. Observed: 4 variant alleles, 4 heterozygotes.

GeneDx
Classification: Likely pathogenic. Last evaluated: 2015-07-31. Review status: criteria provided, single submitter. Criteria: GeneDx Variant Classification (06012015). Collection method: clinical testing. Allele origin: germline. Affected: yes.
Comment: The E2067K variant has been reported previously in an individual with Bethlem myopathy who was heterozygous for this change and did not have another identifiable pathogenic variant; however, additional clinical information was not provided and functional characterization of the variant was not completed (Foley et al., 2013). It was not observed in approximately 6,500 individuals of European and African American ancestry in the NHLBI Exome Sequencing Project, indicating it is not a common benign variant in these populations. The E2067K variant is a non-conservative amino acid substitution, which is likely to impact secondary protein structure as these residues differ in polarity, charge, size and/or other properties. This substitution occurs at a position that is conserved across species, and multiple missense variants in nearby residues (G2065D, G2074C/D, P2075L) have been reported in the Human Gene Mutation Database in association with COL6A3-related disorders (Stenson et al., 2014), supporting the functional importance of this region of the protein. In silico analysis is inconsistent in its predictions as to whether or not the variant is damaging to the protein structure/function. Therefore, the variant is a strong candidate for a pathogenic variant, however the possibility that it is a benign variant cannot be excluded.

Literature cited by the submitters: PubMed 24271325 (cited by Labcorp Genetics (formerly Invitae), Labcorp); PubMed 26436962 (cited by Labcorp Genetics (formerly Invitae), Labcorp); PubMed 30564623 (cited by Labcorp Genetics (formerly Invitae), Labcorp).

NM_004369.4(COL6A3):c.6199G>A (p.Glu2067Lys)

Gene: COL6A3 (collagen type VI alpha 3 chain; minus strand). Cytogenetic location: 2q37.3.
Variant type: single nucleotide variant.
Coding change: c.6199G>A on transcript NM_004369.4 (MANE Select); coding-DNA position 6199, G replaced by A.
Protein change: p.Glu2067Lys; replaces glutamic acid 2067 with lysine.
Molecular consequence: missense variant.
Genome position (GRCh38, 1-based): chr2:237,361,132, C>T on the plus strand (G>A on the coding strand, the complement: COL6A3 is on the minus strand). VCF-style: chr2-237361132-C-T. GRCh37 (hg19) VCF-style: chr2-238269775-C-T.
Other names: NM_004369.3(COL6A3):c.6199G>A; p.Glu2067Lys; c.4378G>A, p.Glu1460Lys (NM_057166.5); c.5581G>A, p.Glu1861Lys (NM_057167.4); short protein forms E2067K, E1460K, E1861K.
Identifiers: ClinVar variation 284554 (VCV000284554.63), dbSNP rs760446904, ClinGen allele CA2188419.